The following is an entry in ClinVar:

NM_000379.4(XDH):c.150_155del (p.Cys51_Thr52del)

Gene: XDH (xanthine dehydrogenase; minus strand). Cytogenetic location: 2p23.1.
Variant type: Deletion.
Coding change: c.150_155del on transcript NM_000379.4 (MANE Select); coding-DNA positions 150 to 155, 6 bases deleted (TTGCAC; older notation c.150_155delTTGCAC).
Protein change: p.Cys51_Thr52del.
Molecular consequence: inframe deletion.
Genome position (GRCh38, 1-based): chr2:31,403,090-31,403,095, GTGCAA deleted on the plus strand (TTGCAC on the coding strand, the reverse complement: XDH is on the minus strand); deleting any 6 consecutive bases within chr2:31,403,090-31,403,096 gives the same sequence; the c. name uses the placement nearest the transcript's 3' end. VCF-style (leftmost placement, unchanged base first): chr2-31403089-TGTGCAA-T. GRCh37 (hg19) VCF-style: chr2-31625955-TGTGCAA-T.
Identifiers: ClinVar variation 2917053 (VCV002917053.3), dbSNP rs1237960493, ClinGen allele CA531500090.

ClinVar aggregate classification (germline): Uncertain significance (1 of 4 stars; one submission).

Conditions:
Xanthinuria type II. Also called: Xanthine dehydrogenase and aldehyde oxidase combined deficiency of; XDH and AOX dual deficiency. Identifiers: Orphanet 3467, Orphanet 93602, MedGen C1863688, MONDO:0011346, OMIM 603592.

Submission:

Labcorp Genetics (formerly Invitae), Labcorp
Classification: Uncertain significance for Xanthinuria type II. Last evaluated: 2023-05-20. Review status: criteria provided, single submitter. Criteria: Invitae Variant Classification Sherloc (09022015). Collection method: clinical testing. Allele origin: germline.
Comment: This variant is present in population databases (no rsID available, gnomAD 0.002%). This variant, c.150_155del, results in the deletion of 2 amino acid(s) of the XDH protein (p.Cys51_Thr52del), but otherwise preserves the integrity of the reading frame. In summary, the available evidence is currently insufficient to determine the role of this variant in disease. Therefore, it has been classified as a Variant of Uncertain Significance. Experimental studies and prediction algorithms are not available or were not evaluated, and the functional significance of this variant is currently unknown. This variant has not been reported in the literature in individuals affected with XDH-related conditions.